The following is an entry in ClinVar:

ClinVar aggregate classification (germline): Uncertain significance. Review status: criteria provided, multiple submitters, no conflicts (2 of 4 stars). 2 submissions from 2 submitters: Uncertain significance (2). Last evaluated 2022-07-21.

Allele frequency attached by ClinVar (database versions not stated): TOPMed below 0.00001; gnomAD 0.00001.
gnomAD v4.1: 2 of 1,612,744 alleles (0.00012%); highest among the groups gnomAD compares: Middle Eastern, 0.017%; no homozygotes.

Submissions (2):

Labcorp Genetics (formerly Invitae), Labcorp
Classification: Uncertain significance. Last evaluated: 2022-07-21. Review status: criteria provided, single submitter. Criteria: Invitae Variant Classification Sherloc (09022015). Collection method: clinical testing. Allele origin: germline.
Comment: In summary, the available evidence is currently insufficient to determine the role of this variant in disease. Therefore, it has been classified as a Variant of Uncertain Significance. Algorithms developed to predict the effect of missense changes on protein structure and function (SIFT, PolyPhen-2, Align-GVGD) all suggest that this variant is likely to be tolerated. This variant has not been reported in the literature in individuals affected with PCDH15-related conditions. This variant is not present in population databases (gnomAD no frequency). This sequence change replaces isoleucine, which is neutral and non-polar, with valine, which is neutral and non-polar, at codon 114 of the PCDH15 protein (p.Ile114Val).

Breakthrough Genomics
Classification: Uncertain significance. Review status: criteria provided, single submitter. Criteria: ACMG Guidelines, 2015. Collection method: not provided. Allele origin: germline. Inheritance: Autosomal recessive inheritance. Affected: yes.

NM_001384140.1(PCDH15):c.340A>G (p.Ile114Val)

Gene: PCDH15 (protocadherin related 15; minus strand). Cytogenetic location: 10q21.1.
Variant type: single nucleotide variant.
Coding change: c.340A>G on transcript NM_001384140.1 (MANE Select); coding-DNA position 340, A replaced by G.
Protein change: p.Ile114Val; replaces isoleucine 114 with valine.
Molecular consequence: missense variant.
Genome position (GRCh38, 1-based): chr10:54,369,254, T>C on the plus strand (A>G on the coding strand, the complement: PCDH15 is on the minus strand). VCF-style: chr10-54369254-T-C. GRCh37 (hg19) VCF-style: chr10-56129014-T-C.
Other names: c.355A>G, p.Ile119Val (NM_001142763.2, NM_001142769.4, NM_001142771.2); c.340A>G, p.Ile114Val (NM_001142764.2, NM_001142765.2, NM_001142766.2 and 8 more transcripts); c.274A>G, p.Ile92Val (NM_001142768.2, NM_001142773.2, NM_001354404.2); short protein forms I92V, I114V, I119V.
Identifiers: ClinVar variation 1956815 (VCV001956815.6), dbSNP rs1249665093, ClinGen allele CA376542355.